The following is an entry in ClinVar:

ClinVar aggregate classification (germline): Benign (1 of 4 stars; one submission).

Allele frequency attached by ClinVar (database versions not stated): 1000 Genomes Project 30x 0.04107; 1000 Genomes Project 0.04233; TOPMed 0.05878; gnomAD 0.06186 and 0.06295.
gnomAD v4.1: 9,533 of 151,924 alleles (6.3%); highest among the groups gnomAD compares: Non-Finnish European, 9.6%; 437 homozygotes.

Submission:

GeneDx
Classification: Benign. Last evaluated: 2018-06-14. Review status: criteria provided, single submitter. Criteria: GeneDx Variant Classification (06012015). Collection method: clinical testing. Allele origin: germline. Affected: yes.
Comment: This variant is considered likely benign or benign based on one or more of the following criteria: it is a conservative change, it occurs at a poorly conserved position in the protein, it is predicted to be benign by multiple in silico algorithms, and/or has population frequency not consistent with disease.

NM_000231.3(SGCG):c.702+252G>T

Gene: SGCG (sarcoglycan gamma; plus strand). Cytogenetic location: 13q12.12.
Variant type: single nucleotide variant.
Coding change: c.702+252G>T on transcript NM_000231.3 (MANE Select); 252 bases into the intron after coding-DNA position 702, G replaced by T.
Molecular consequence: intron variant.
Genome position (GRCh38, 1-based): chr13:23,321,012, G>T. VCF-style: chr13-23321012-G-T. GRCh37 (hg19) VCF-style: chr13-23895151-G-T.
Other names: c.756+252G>T (NM_001378244.1); c.702+252G>T (NM_001378245.1, NM_001378246.1).
Identifiers: ClinVar variation 668955 (VCV000668955.1), dbSNP rs4770431, ClinGen allele CA16462274.